The following is an entry in ClinVar:

ClinVar aggregate classification (germline): Benign (1 of 4 stars; one submission).

Allele frequency attached by ClinVar (database versions not stated): gnomAD 0.11088 and 0.11743; TOPMed 0.12153; 1000 Genomes Project 30x 0.22861; 1000 Genomes Project 0.23283.
gnomAD v4.1: 17,701 of 152,136 alleles (12%); highest among the groups gnomAD compares: East Asian, 60%; 2,063 homozygotes.

Submission:

GeneDx
Classification: Benign. Last evaluated: 2018-06-19. Review status: criteria provided, single submitter. Criteria: GeneDx Variant Classification (06012015). Collection method: clinical testing. Allele origin: germline. Affected: yes.
Comment: This variant is considered likely benign or benign based on one or more of the following criteria: it is a conservative change, it occurs at a poorly conserved position in the protein, it is predicted to be benign by multiple in silico algorithms, and/or has population frequency not consistent with disease.

NM_001999.4(FBN2):c.6758-308A>G

Gene: FBN2 (fibrillin 2; minus strand). Cytogenetic location: 5q23.3.
Variant type: single nucleotide variant.
Coding change: c.6758-308A>G on transcript NM_001999.4 (MANE Select); 308 bases into the intron before coding-DNA position 6758, A replaced by G.
Molecular consequence: intron variant.
Genome position (GRCh38, 1-based): chr5:128,287,738, T>C on the plus strand (A>G on the coding strand, the complement: FBN2 is on the minus strand). VCF-style: chr5-128287738-T-C. GRCh37 (hg19) VCF-style: chr5-127623430-T-C.
Identifiers: ClinVar variation 683535 (VCV000683535.1), dbSNP rs42280, ClinGen allele CA127031621.